The following is an entry in ClinVar:

ClinVar aggregate classification (germline): Benign/Likely benign. Review status: criteria provided, multiple submitters, no conflicts (2 of 4 stars). 3 submissions from 3 submitters: Benign (2); Likely benign (1). Last evaluated 2026-01-28.

Allele frequency attached by ClinVar (database versions not stated): 1000 Genomes Project 30x 0.00062; 1000 Genomes Project 0.00080; TOPMed 0.00102; ESP Exome Variant Server 0.00138; gnomAD exomes 0.00192 and 0.00320; ExAC 0.00306; gnomAD 0.00326 and 0.00341.
gnomAD v4.1: 3,264 of 1,614,072 alleles (0.2%); highest among the groups gnomAD compares: Non-Finnish European, 0.14%; 23 homozygotes.

Submissions (3):

Labcorp Genetics (formerly Invitae), Labcorp
Classification: Benign. Last evaluated: 2026-01-28. Review status: criteria provided, single submitter. Criteria: Invitae Variant Classification Sherloc (09022015). Collection method: clinical testing. Allele origin: germline.

CeGaT Center for Human Genetics Tuebingen
Classification: Likely benign. Last evaluated: 2025-03-01. Review status: criteria provided, single submitter. Criteria: CeGaT Center For Human Genetics Tuebingen Variant Classification Criteria Version 2. Collection method: clinical testing. Allele origin: germline. Affected: yes. Observed: 5 variant alleles.
Comment: DEF6: BP4, BP7, BS2

Mayo Clinic Laboratories, Mayo Clinic
Classification: Benign. Last evaluated: 2024-11-06. Review status: criteria provided, single submitter. Criteria: ACMG Guidelines, 2015. Collection method: clinical testing. Allele origin: germline. Observed: 3 variant alleles.
Comment: BS1, BS2, BP4, BP7

NM_022047.4(DEF6):c.216C>T (p.Leu72=)

Gene: DEF6 (DEF6 guanine nucleotide exchange factor; plus strand). Cytogenetic location: 6p21.31.
Variant type: single nucleotide variant.
Coding change: c.216C>T on transcript NM_022047.4 (MANE Select); coding-DNA position 216, C replaced by T.
Protein change: p.Leu72=; no amino-acid change (leucine 72 retained).
Molecular consequence: synonymous variant.
Genome position (GRCh38, 1-based): chr6:35,309,789, C>T. VCF-style: chr6-35309789-C-T. GRCh37 (hg19) VCF-style: chr6-35277566-C-T.
Other names: p.Leu72=.
Identifiers: ClinVar variation 1170360 (VCV001170360.34), dbSNP rs141861681, ClinGen allele CA3770670.